The following is an entry in ClinVar:

NM_003377.5(VEGFB):c.372C>G (p.Cys124Trp)

Gene: VEGFB (vascular endothelial growth factor B; plus strand). Cytogenetic location: 11q13.1.
Variant type: single nucleotide variant.
Coding change: c.372C>G on transcript NM_003377.5 (MANE Select); coding-DNA position 372, C replaced by G.
Protein change: p.Cys124Trp; replaces cysteine 124 with tryptophan.
Molecular consequence: missense variant.
Genome position (GRCh38, 1-based): chr11:64,236,325, C>G. VCF-style: chr11-64236325-C-G. GRCh37 (hg19) VCF-style: chr11-64003797-C-G.
Other names: c.372C>G, p.Cys124Trp (NM_001243733.2); short protein forms C124W.
Identifiers: ClinVar variation 3772474 (VCV003772474.13).

ClinVar aggregate classification (germline): Uncertain significance (1 of 4 stars; one submission).

Submission:

CeGaT Center for Human Genetics Tuebingen
Classification: Uncertain significance. Last evaluated: 2025-02-01. Review status: criteria provided, single submitter. Criteria: CeGaT Center For Human Genetics Tuebingen Variant Classification Criteria Version 2. Collection method: clinical testing. Allele origin: germline. Affected: yes. Observed: 1 variant allele.
Comment: VEGFB: PM2